The following is an entry in ClinVar:

NM_007194.4(CHEK2):c.1386T>C (p.Leu462=)

Gene: CHEK2 (checkpoint kinase 2; minus strand). Cytogenetic location: 22q12.1.
Variant type: single nucleotide variant.
Coding change: c.1386T>C on transcript NM_007194.4 (MANE Select); coding-DNA position 1386, T replaced by C.
Protein change: p.Leu462=; no amino-acid change (leucine 462 retained).
Molecular consequence: synonymous variant.
Genome position (GRCh38, 1-based): chr22:28,694,107, A>G on the plus strand (T>C on the coding strand, the complement: CHEK2 is on the minus strand). VCF-style: chr22-28694107-A-G. GRCh37 (hg19) VCF-style: chr22-29090095-A-G.
Other names: c.1515T>C, p.Leu505= (NM_001005735.3); c.723T>C, p.Leu241= (NM_001257387.3); c.1185T>C, p.Leu395= (NM_001349956.3); c.1299T>C, p.Leu433= (NM_145862.3).
Identifiers: ClinVar variation 231750 (VCV000231750.18), dbSNP rs876659337, ClinGen allele CA10581032.

ClinVar aggregate classification (germline): Benign/Likely benign. Review status: criteria provided, multiple submitters, no conflicts (2 of 4 stars). 4 submissions from 4 submitters: Benign (1); Likely benign (3). Last evaluated 2025-01-29.

Conditions:
Hereditary cancer-predisposing syndrome. Also called: Neoplastic Syndromes, Hereditary; Tumor predisposition; Hereditary Cancer Syndrome; Hereditary neoplastic syndrome. Identifiers: Orphanet 140162, MedGen C0027672, MeSH D009386, MONDO:0015356.
Familial cancer of breast. Also called: BREAST CANCER, FAMILIAL; hereditary breast carcinoma; Hereditary breast cancer. Identifiers: Orphanet 227535, MedGen C0346153, MONDO:0016419, OMIM 114480. Disease mechanism: loss of function.

Allele frequency attached by ClinVar (database versions not stated): gnomAD 0.00001.
gnomAD v4.1: 2 of 1,593,584 alleles (0.00013%); highest among the groups gnomAD compares: African/African-American, 0.0027%; no homozygotes.

Submissions (4):

Labcorp Genetics (formerly Invitae), Labcorp
Classification: Likely benign for Familial cancer of breast. Last evaluated: 2025-01-29. Review status: criteria provided, single submitter. Criteria: Invitae Variant Classification Sherloc (09022015). Collection method: clinical testing. Allele origin: germline.

Myriad Genetics, Inc.
Classification: Benign for Familial cancer of breast. Last evaluated: 2024-10-08. Review status: criteria provided, single submitter. Criteria: Myriad Autosomal Dominant, Autosomal Recessive and X-Linked Classification Criteria (2023). Collection method: clinical testing. Allele origin: unknown.
Comment: This variant is considered benign. This variant is a silent/synonymous amino acid change and it is not expected to impact splicing.

Color Diagnostics, LLC DBA Color Health
Classification: Likely benign for Hereditary cancer-predisposing syndrome. Last evaluated: 2017-06-07. Review status: criteria provided, single submitter. Criteria: ACMG Guidelines, 2015. Collection method: clinical testing. Allele origin: germline.

Ambry Genetics
Classification: Likely benign for Hereditary cancer-predisposing syndrome. Last evaluated: 2015-05-12. Review status: criteria provided, single submitter. Criteria: Ambry Variant Classification Scheme 2023. Collection method: clinical testing. Allele origin: germline.